The following is an entry in ClinVar:

ClinVar aggregate classification (germline): Uncertain significance. Review status: criteria provided, multiple submitters, no conflicts (2 of 4 stars). 6 submissions from 6 submitters: Uncertain significance (6). Last evaluated 2025-01-02.

Conditions:
Inborn genetic diseases. Identifiers: MedGen C0950123, MeSH D030342.
Progressive myoclonic epilepsy. Also called: Familial progressive myoclonic epilepsy; Myoclonic Epilepsies, Progressive; Myoclonus epilepsy; Progressive myoclonus epilepsy. Identifiers: Orphanet 308, Orphanet 98261, MedGen C0751778, MONDO:0020074.
Action myoclonus-renal failure syndrome. Also called: SCARB2-Related Action Myoclonus-Renal Failure Syndrome; MYOCLONUS-NEPHROPATHY SYNDROME; EPILEPSY, PROGRESSIVE MYOCLONIC, 4, WITH RENAL FAILURE; EPILEPSY, PROGRESSIVE MYOCLONIC, 4, WITHOUT RENAL FAILURE. Identifiers: Orphanet 163696, MedGen C0751779, MeSH D020191, MONDO:0009699, OMIM 254900.

Allele frequency attached by ClinVar (database versions not stated): gnomAD 0.00016; ExAC 0.00018; gnomAD exomes 0.00019 and 0.00036; TOPMed 0.00019; ESP Exome Variant Server 0.00031.
gnomAD v4.1: 532 of 1,614,092 alleles (0.033%); highest among the groups gnomAD compares: Non-Finnish European, 0.044%; 1 homozygote.

Submissions (6):

Revvity Omics, Revvity
Classification: Uncertain significance for Action myoclonus-renal failure syndrome. Last evaluated: 2025-01-02. Review status: criteria provided, single submitter. Criteria: ACMG Guidelines, 2015. Collection method: clinical testing. Allele origin: germline.

Labcorp Genetics (formerly Invitae), Labcorp
Classification: Uncertain significance for Progressive myoclonic epilepsy. Last evaluated: 2024-10-28. Review status: criteria provided, single submitter. Criteria: Invitae Variant Classification Sherloc (09022015). Collection method: clinical testing. Allele origin: germline.
Comment: This sequence change replaces aspartic acid, which is acidic and polar, with asparagine, which is neutral and polar, at codon 307 of the SCARB2 protein (p.Asp307Asn). This variant is present in population databases (rs142392473, gnomAD 0.04%). This variant has not been reported in the literature in individuals affected with SCARB2-related conditions. ClinVar contains an entry for this variant (Variation ID: 418468). Invitae Evidence Modeling of protein sequence and biophysical properties (such as structural, functional, and spatial information, amino acid conservation, physicochemical variation, residue mobility, and thermodynamic stability) indicates that this missense variant is not expected to disrupt SCARB2 protein function with a negative predictive value of 80%. In summary, the available evidence is currently insufficient to determine the role of this variant in disease. Therefore, it has been classified as a Variant of Uncertain Significance.

GeneDx
Classification: Uncertain significance. Last evaluated: 2024-09-26. Review status: criteria provided, single submitter. Criteria: GeneDx Variant Classification Process June 2021. Collection method: clinical testing. Allele origin: germline. Affected: yes.
Comment: In silico analysis supports that this missense variant has a deleterious effect on protein structure/function; Has not been previously published as pathogenic or benign to our knowledge

ARUP Laboratories, Molecular Genetics and Genomics, ARUP Laboratories
Classification: Uncertain significance for Action myoclonus-renal failure syndrome. Last evaluated: 2024-09-16. Review status: criteria provided, single submitter. Criteria: ARUP Molecular Germline Variant Investigation Process 2024. Collection method: clinical testing. Allele origin: germline.

Fulgent Genetics
Classification: Uncertain significance for Action myoclonus-renal failure syndrome. Last evaluated: 2024-04-17. Review status: criteria provided, single submitter. Criteria: ACMG Guidelines, 2015. Collection method: clinical testing. Allele origin: germline.

Ambry Genetics
Classification: Uncertain significance for Inborn genetic diseases. Last evaluated: 2021-08-02. Review status: criteria provided, single submitter. Criteria: Ambry Variant Classification Scheme 2023. Collection method: clinical testing. Allele origin: germline.

NM_005506.4(SCARB2):c.919G>A (p.Asp307Asn)

Gene: SCARB2 (scavenger receptor class B member 2; minus strand). Cytogenetic location: 4q21.1.
Variant type: single nucleotide variant.
Coding change: c.919G>A on transcript NM_005506.4 (MANE Select); coding-DNA position 919, G replaced by A.
Protein change: p.Asp307Asn; replaces aspartic acid 307 with asparagine.
Molecular consequence: missense variant.
Genome position (GRCh38, 1-based): chr4:76,174,219, C>T on the plus strand (G>A on the coding strand, the complement: SCARB2 is on the minus strand). VCF-style: chr4-76174219-C-T. GRCh37 (hg19) VCF-style: chr4-77095372-C-T.
Other names: c.490G>A, p.Asp164Asn (NM_001204255.2); short protein forms D307N, D164N.
Identifiers: ClinVar variation 418468 (VCV000418468.20), dbSNP rs142392473, ClinGen allele CA2970224.